The following is an entry in ClinVar:

ClinVar aggregate classification (germline): Uncertain significance. Review status: criteria provided, multiple submitters, no conflicts (2 of 4 stars). 3 submissions from 3 submitters: Uncertain significance (3). Last evaluated 2024-11-18.

Conditions:
Inborn genetic diseases. Identifiers: MedGen C0950123, MeSH D030342.

Allele frequency attached by ClinVar (database versions not stated): TOPMed 0.00002.
gnomAD v4.1: 2 of 1,613,834 alleles (0.00012%); highest among the groups gnomAD compares: African/African-American, 0.0027%; no homozygotes.

Submissions (3):

Athena Diagnostics
Classification: Uncertain significance. Last evaluated: 2024-11-18. Review status: criteria provided, single submitter. Criteria: Athena Diagnostics Criteria. Collection method: clinical testing. Allele origin: unknown.
Comment: Available data are insufficient to determine the clinical significance of the variant at this time. The frequency of this variant in the general population is uninformative in assessment of its pathogenicity. Polyphen and MutationTaster yielded discordant predictions regarding whether this amino acid change is damaging to the protein.

Ambry Genetics
Classification: Uncertain significance for Inborn genetic diseases. Last evaluated: 2024-05-10. Review status: criteria provided, single submitter. Criteria: Ambry Variant Classification Scheme 2023. Collection method: clinical testing. Allele origin: germline.

Labcorp Genetics (formerly Invitae), Labcorp
Classification: Uncertain significance. Last evaluated: 2017-05-08. Review status: criteria provided, single submitter. Criteria: Invitae Variant Classification Sherloc (09022015). Collection method: clinical testing. Allele origin: germline.
Comment: This variant is not present in population databases (ExAC no frequency) and has not been reported in the literature in individuals with a SZT2-related disease. This sequence change replaces arginine with leucine at codon 942 of the SZT2 protein (p.Arg942Leu). The arginine residue is highly conserved and there is a moderate physicochemical difference between arginine and leucine. In summary, this variant is a novel missense change with uncertain impact on protein function. It has been classified as a Variant of Uncertain Significance. Algorithms developed to predict the effect of missense changes on protein structure and function (SIFT, PolyPhen-2, Align-GVGD) all suggest that this variant is likely to be disruptive, but these predictions have not been confirmed by published functional studies.

NM_001365999.1(SZT2):c.2825G>T (p.Arg942Leu)

Gene: SZT2 (SZT2 subunit of KICSTOR complex; plus strand). Cytogenetic location: 1p34.2.
Variant type: single nucleotide variant.
Coding change: c.2825G>T on transcript NM_001365999.1 (MANE Select); coding-DNA position 2825, G replaced by T.
Protein change: p.Arg942Leu; replaces arginine 942 with leucine.
Molecular consequence: missense variant.
Genome position (GRCh38, 1-based): chr1:43,425,845, G>T. VCF-style: chr1-43425845-G-T. GRCh37 (hg19) VCF-style: chr1-43891516-G-T.
Other names: c.2825G>T, p.Arg942Leu (NM_015284.4); c.2825G>T (NM_015284.3); short protein forms R942L.
Identifiers: ClinVar variation 1024387 (VCV001024387.8), dbSNP rs766765965, ClinGen allele CA340015562.